The following is an entry in ClinVar:

ClinVar aggregate classification (germline): Uncertain significance (1 of 4 stars; one submission).

Allele frequency attached by ClinVar (database versions not stated): ExAC 0.00001; gnomAD exomes 0.00003 and 0.00005; TOPMed 0.00006; gnomAD 0.00011 and 0.00012.
gnomAD v4.1: 31 of 1,613,136 alleles (0.0019%); highest among the groups gnomAD compares: Admixed American, 0.052%; no homozygotes.

Submission:

Labcorp Genetics (formerly Invitae), Labcorp
Classification: Uncertain significance. Last evaluated: 2025-02-23. Review status: criteria provided, single submitter. Criteria: Invitae Variant Classification Sherloc (09022015). Collection method: clinical testing. Allele origin: germline.
Comment: This sequence change replaces valine, which is neutral and non-polar, with isoleucine, which is neutral and non-polar, at codon 931 of the TOP2B protein (p.Val931Ile). This variant is present in population databases (rs771831835, gnomAD 0.04%), and has an allele count higher than expected for a pathogenic variant. This variant has not been reported in the literature in individuals affected with TOP2B-related conditions. ClinVar contains an entry for this variant (Variation ID: 1450912). An algorithm developed to predict the effect of missense changes on protein structure and function (PolyPhen-2) suggests that this variant is likely to be tolerated. In summary, the available evidence is currently insufficient to determine the role of this variant in disease. Therefore, it has been classified as a Variant of Uncertain Significance.

NM_001330700.2(TOP2B):c.2806G>A (p.Val936Ile)

Gene: TOP2B (DNA topoisomerase II beta; minus strand). Cytogenetic location: 3p24.2.
Variant type: single nucleotide variant.
Coding change: c.2806G>A on transcript NM_001330700.2 (MANE Select); coding-DNA position 2806, G replaced by A.
Protein change: p.Val936Ile; replaces valine 936 with isoleucine.
Molecular consequence: missense variant.
Genome position (GRCh38, 1-based): chr3:25,620,738, C>T on the plus strand (G>A on the coding strand, the complement: TOP2B is on the minus strand). VCF-style: chr3-25620738-C-T. GRCh37 (hg19) VCF-style: chr3-25662229-C-T.
Other names: c.2791G>A, p.Val931Ile (NM_001068.3); short protein forms V931I, V936I.
Identifiers: ClinVar variation 1450912 (VCV001450912.6), dbSNP rs771831835, ClinGen allele CA2288425.